The following is an entry in ClinVar:

NM_024529.5(CDC73):c.109A>T (p.Lys37Ter)

Gene: CDC73 (cell division cycle 73; plus strand). Cytogenetic location: 1q31.2.
Variant type: single nucleotide variant.
Coding change: c.109A>T on transcript NM_024529.5 (MANE Select); coding-DNA position 109, A replaced by T.
Protein change: p.Lys37Ter; replaces lysine 37 with a stop codon.
Molecular consequence: nonsense.
Genome position (GRCh38, 1-based): chr1:193,122,309, A>T. VCF-style: chr1-193122309-A-T. GRCh37 (hg19) VCF-style: chr1-193091439-A-T.
Other names: short protein forms K37*.
Identifiers: ClinVar variation 265669 (VCV000265669.2), dbSNP rs886039716, ClinGen allele CA10588273.

ClinVar aggregate classification (germline): Pathogenic (1 of 4 stars; one submission).

Submission:

GeneDx
Classification: Pathogenic. Last evaluated: 2016-08-17. Review status: criteria provided, single submitter. Criteria: GeneDx Variant Classification (06012015). Collection method: clinical testing. Allele origin: germline. Affected: yes.
Comment: This variant is denoted CDC73 c.109A>T at the cDNA level and p.Lys37Ter (K37X) at the protein level. The substitution creates a nonsense variant, which changes a Lysine to a premature stop codon (AAG>TAG), and is predicted to cause loss of normal protein function through either protein truncation or nonsense-mediated mRNA decay. Although this variant has not, to our knowledge, been reported in the literature, it is considered pathogenic.